The following is an entry in ClinVar:

NM_003982.4(SLC7A7):c.285del (p.Thr96fs)

Gene: SLC7A7 (solute carrier family 7 member 7; minus strand). Cytogenetic location: 14q11.2.
Variant type: Deletion.
Coding change: c.285del on transcript NM_003982.4 (MANE Select); coding-DNA position 285, one base deleted (C; older notation c.285delC).
Protein change: p.Thr96fs; shifts the reading frame from threonine 96.
Molecular consequence: frameshift variant.
Genome position (GRCh38, 1-based): chr14:22,813,114, G deleted on the plus strand (C on the coding strand, the reverse complement: SLC7A7 is on the minus strand); the first of 2 consecutive G bases (chr14:22,813,114-22,813,115); deleting either gives the same sequence. VCF-style (leftmost placement, unchanged base first): chr14-22813113-TG-T. GRCh37 (hg19) VCF-style: chr14-23282322-TG-T.
Other names: c.285del, p.Thr96fs (NM_001126105.3, NM_001126106.4); short protein forms T96fs.
Identifiers: ClinVar variation 2838829 (VCV002838829.4), dbSNP rs2501975835, ClinGen allele CA2624142754.

ClinVar aggregate classification (germline): Pathogenic/Likely pathogenic. Review status: criteria provided, multiple submitters, no conflicts (2 of 4 stars). 2 submissions from 2 submitters: Pathogenic (1); Likely pathogenic (1). Last evaluated 2024-10-03.

Conditions:
Lysinuric protein intolerance (LPI). Identifiers: Orphanet 470, MedGen C0268647, MONDO:0009109, OMIM 222700.
SLC7A7-related disorder. Also called: SLC7A7-related condition.

Submissions (2):

Labcorp Genetics (formerly Invitae), Labcorp
Classification: Pathogenic for Lysinuric protein intolerance. Last evaluated: 2024-10-03. Review status: criteria provided, single submitter. Criteria: Invitae Variant Classification Sherloc (09022015). Collection method: clinical testing. Allele origin: germline.
Comment: This sequence change creates a premature translational stop signal (p.Thr96Profs*74) in the SLC7A7 gene. It is expected to result in an absent or disrupted protein product. Loss-of-function variants in SLC7A7 are known to be pathogenic (PMID: 10631139, 17764084). This variant is not present in population databases (gnomAD no frequency). This variant has not been reported in the literature in individuals affected with SLC7A7-related conditions. For these reasons, this variant has been classified as Pathogenic.

Blueprint Genetics
Classification: Likely pathogenic for SLC7A7-related disorders. Last evaluated: 2019-09-12. Review status: criteria provided, single submitter. Criteria: ACMG Guidelines, 2015. Collection method: clinical testing. Allele origin: germline. Affected: yes. Observed: 1 variant allele.

Literature cited by the submitters: PubMed 10631139 (cited by Labcorp Genetics (formerly Invitae), Labcorp); PubMed 17764084 (cited by Labcorp Genetics (formerly Invitae), Labcorp).